The following is an entry in ClinVar:

ClinVar aggregate classification (germline): Uncertain significance. Review status: criteria provided, multiple submitters, no conflicts (2 of 4 stars). 2 submissions from 2 submitters: Uncertain significance (2). Last evaluated 2024-09-09.

Conditions:
Hereditary cancer-predisposing syndrome. Also called: Neoplastic Syndromes, Hereditary; Hereditary Cancer Syndrome; Tumor predisposition; Hereditary neoplastic syndrome. Identifiers: Orphanet 140162, MedGen C0027672, MeSH D009386, MONDO:0015356.
Familial cancer of breast. Also called: hereditary breast carcinoma; Hereditary breast cancer; BREAST CANCER, FAMILIAL. Identifiers: Orphanet 227535, MedGen C0346153, MONDO:0016419, OMIM 114480. Disease mechanism: loss of function.

Submissions (2):

Labcorp Genetics (formerly Invitae), Labcorp
Classification: Uncertain significance for Familial cancer of breast. Last evaluated: 2024-09-09. Review status: criteria provided, single submitter. Criteria: Invitae Variant Classification Sherloc (09022015). Collection method: clinical testing. Allele origin: germline.
Comment: This sequence change replaces proline, which is neutral and non-polar, with alanine, which is neutral and non-polar, at codon 212 of the PALB2 protein (p.Pro212Ala). This variant is not present in population databases (gnomAD no frequency). This variant has not been reported in the literature in individuals affected with PALB2-related conditions. ClinVar contains an entry for this variant (Variation ID: 1039454). An algorithm developed to predict the effect of missense changes on protein structure and function outputs the following: PolyPhen-2: "Benign". The alanine amino acid residue is found in multiple mammalian species, which suggests that this missense change does not adversely affect protein function. In summary, the available evidence is currently insufficient to determine the role of this variant in disease. Therefore, it has been classified as a Variant of Uncertain Significance.

Ambry Genetics
Classification: Uncertain significance for Hereditary cancer-predisposing syndrome. Last evaluated: 2021-01-05. Review status: criteria provided, single submitter. Criteria: Ambry Variant Classification Scheme 2023. Collection method: clinical testing. Allele origin: germline.
Comment: The p.P212A variant (also known as c.634C>G), located in coding exon 4 of the PALB2 gene, results from a C to G substitution at nucleotide position 634. The proline at codon 212 is replaced by alanine, an amino acid with highly similar properties. This amino acid position is not well conserved in available vertebrate species. In addition, this alteration is predicted to be tolerated by in silico analysis. Since supporting evidence is limited at this time, the clinical significance of this alteration remains unclear.

NM_024675.4(PALB2):c.634C>G (p.Pro212Ala)

Gene: PALB2 (partner and localizer of BRCA2; minus strand). Cytogenetic location: 16p12.2.
Variant type: single nucleotide variant.
Coding change: c.634C>G on transcript NM_024675.4 (MANE Select); coding-DNA position 634, C replaced by G.
Protein change: p.Pro212Ala; replaces proline 212 with alanine.
Molecular consequence: missense variant.
Genome position (GRCh38, 1-based): chr16:23,635,912, G>C on the plus strand (C>G on the coding strand, the complement: PALB2 is on the minus strand). VCF-style: chr16-23635912-G-C. GRCh37 (hg19) VCF-style: chr16-23647233-G-C.
Other names: short protein forms P212A.
Identifiers: ClinVar variation 1039454 (VCV001039454.12), dbSNP rs1967032913, ClinGen allele CA395136570.